The following is an entry in ClinVar:

ClinVar aggregate classification (germline): Likely benign (1 of 4 stars; one submission).

gnomAD v4.1: 2 of 1,604,110 alleles (0.00012%); highest among the groups gnomAD compares: Admixed American, 0.0017%; no homozygotes.

Submission:

CeGaT Center for Human Genetics Tuebingen
Classification: Likely benign. Last evaluated: 2024-12-01. Review status: criteria provided, single submitter. Criteria: CeGaT Center For Human Genetics Tuebingen Variant Classification Criteria Version 2. Collection method: clinical testing. Allele origin: germline. Affected: yes. Observed: 1 variant allele.
Comment: SMC3: BP4

NM_005445.4(SMC3):c.1304A>G (p.Asn435Ser)

Gene: SMC3 (structural maintenance of chromosomes 3; plus strand). Cytogenetic location: 10q25.2.
Variant type: single nucleotide variant.
Coding change: c.1304A>G on transcript NM_005445.4 (MANE Select); coding-DNA position 1304, A replaced by G.
Protein change: p.Asn435Ser; replaces asparagine 435 with serine.
Molecular consequence: missense variant.
Genome position (GRCh38, 1-based): chr10:110,584,395, A>G. VCF-style: chr10-110584395-A-G. GRCh37 (hg19) VCF-style: chr10-112344153-A-G.
Other names: short protein forms N435S.
Identifiers: ClinVar variation 3771178 (VCV003771178.13).